The following is an entry in ClinVar:

ClinVar aggregate classification (germline): Likely benign (1 of 4 stars; one submission).

Submission:

CeGaT Center for Human Genetics Tuebingen
Classification: Likely benign. Last evaluated: 2026-09-01. Review status: criteria provided, single submitter. Criteria: CeGaT Center For Human Genetics Tuebingen Variant Classification Criteria Version 2. Collection method: clinical testing. Allele origin: germline. Affected: yes. Observed: 5 variant alleles.
Comment: ZFPM1: BS2

NM_153813.3(ZFPM1):c.2165_2191del (p.Gly722_Pro730del)

Gene: ZFPM1 (zinc finger protein, FOG family member 1; plus strand). Cytogenetic location: 16q24.2.
Variant type: Deletion.
Coding change: c.2165_2191del on transcript NM_153813.3 (MANE Select); coding-DNA positions 2165 to 2191, 27 bases deleted (GACCCCCTGGGCCGGCCGCGCCCCCGG).
Protein change: p.Gly722_Pro730del.
Genome position (GRCh38, 1-based): chr16:88,534,123-88,534,149, GACCCCCTGGGCCGGCCGCGCCCCCGG deleted; deleting any 27 consecutive bases within chr16:88,534,107-88,534,149 gives the same sequence; the c. name uses the placement nearest the transcript's 3' end. VCF-style (leftmost placement, unchanged base first): chr16-88534106-ACCGGCCGCGCCCCCGGGACCCCCTGGG-A. GRCh37 (hg19) VCF-style: chr16-88600514-ACCGGCCGCGCCCCCGGGACCCCCTGGG-A.
Identifiers: ClinVar variation 3770736 (VCV003770736.13).